The following is an entry in ClinVar:

NM_001127671.2(LIFR):c.1599C>A (p.Ala533=)

Gene: LIFR (LIF receptor subunit alpha; minus strand). Cytogenetic location: 5p13.1.
Variant type: single nucleotide variant.
Coding change: c.1599C>A on transcript NM_001127671.2 (MANE Select); coding-DNA position 1599, C replaced by A.
Protein change: p.Ala533=; no amino-acid change (alanine 533 retained).
Molecular consequence: synonymous variant.
Genome position (GRCh38, 1-based): chr5:38,502,638, G>T on the plus strand (C>A on the coding strand, the complement: LIFR is on the minus strand). VCF-style: chr5-38502638-G-T. GRCh37 (hg19) VCF-style: chr5-38502740-G-T.
Other names: c.1599C>A, p.Ala533= (NM_001364297.2, NM_001364298.2, NM_002310.6).
Identifiers: ClinVar variation 2086198 (VCV002086198.3), dbSNP rs1429534092, ClinGen allele CA443947178.
Genomic context (GRCh38, chr5:38,502,638, plus strand): 5'-AGTTGTAAAACTTCAGAATACACAGTAATTATTAGCCATACATCACTTAGTTAACTTACT[G>T]GCTTCTGTTGTTAAATGTTGTTTTTTATTGCTCCATTTGCTCCATTTCCAGAAAGTTTCA-3'
Protein context (NP_001121143.1, residues 523-543): SNKKQHLTTE[Ala533=]SPSKGPDTWR

ClinVar aggregate classification (germline): Uncertain significance (1 of 4 stars; one submission).

Allele frequency attached by ClinVar (database versions not stated): gnomAD 0.00001; gnomAD exomes 0.00001.
gnomAD v4.1: 5 of 1,610,506 alleles (0.00031%); highest among the groups gnomAD compares: Admixed American, 0.0083%; no homozygotes.

Submission:

Labcorp Genetics (formerly Invitae), Labcorp
Classification: Uncertain significance. Last evaluated: 2024-04-08. Review status: criteria provided, single submitter. Criteria: Invitae Variant Classification Sherloc (09022015). Collection method: clinical testing. Allele origin: germline.
Comment: This sequence change affects codon 533 of the LIFR mRNA. It is a 'silent' change, meaning that it does not change the encoded amino acid sequence of the LIFR protein. It affects a nucleotide within the consensus splice site. This variant is not present in population databases (gnomAD no frequency). This variant has not been reported in the literature in individuals affected with LIFR-related conditions. ClinVar contains an entry for this variant (Variation ID: 2086198). Algorithms developed to predict the effect of sequence changes on RNA splicing suggest that this variant is not likely to affect RNA splicing. In summary, the available evidence is currently insufficient to determine the role of this variant in disease. Therefore, it has been classified as a Variant of Uncertain Significance.